The following is an entry in ClinVar:

NC_000016.9:g.(?_89818536)_(89877489_?)del

Gene: FANCA (FA complementation group A; minus strand). Cytogenetic location: 16q24.3.
Variant type: Deletion.
Identifiers: ClinVar variation 1460207 (VCV001460207.6).

ClinVar aggregate classification (germline): Pathogenic (1 of 4 stars; one submission).

Conditions:
Fanconi anemia (FA). Also called: Fanconi's anemia. Identifiers: Orphanet 84, MedGen C0015625, MeSH D005199, MONDO:0019391.

Submission:

Labcorp Genetics (formerly Invitae), Labcorp
Classification: Pathogenic for Fanconi anemia. Last evaluated: 2021-04-23. Review status: criteria provided, single submitter. Criteria: Invitae Variant Classification Sherloc (09022015). Collection method: clinical testing. Allele origin: germline.
Comment: For these reasons, this variant has been classified as Pathogenic. This variant has not been reported in the literature in individuals with FANCA-related conditions. This variant is a gross deletion of the genomic region encompassing exon(s) 4-31 of the FANCA gene. This deletion is out-of-frame, and is expected to create a premature translational stop signal and result in an absent or disrupted protein product. Loss-of-function variants in FANCA are known to be pathogenic (PMID: 19367192).

Literature cited by the submitters: PubMed 19367192.